The following is an entry in ClinVar:

NM_025114.4(CEP290):c.3121G>A (p.Asp1041Asn)

Gene: CEP290 (centrosomal protein 290; minus strand). Cytogenetic location: 12q21.32.
Variant type: single nucleotide variant.
Coding change: c.3121G>A on transcript NM_025114.4 (MANE Select); coding-DNA position 3121, G replaced by A.
Protein change: p.Asp1041Asn; replaces aspartic acid 1041 with asparagine.
Molecular consequence: missense variant.
Genome position (GRCh38, 1-based): chr12:88,093,958, C>T on the plus strand (G>A on the coding strand, the complement: CEP290 is on the minus strand). VCF-style: chr12-88093958-C-T. GRCh37 (hg19) VCF-style: chr12-88487735-C-T.
Other names: short protein forms D1041N.
Identifiers: ClinVar variation 2077092 (VCV002077092.3), dbSNP rs1267990663, ClinGen allele CA386006566.

ClinVar aggregate classification (germline): Uncertain significance (1 of 4 stars; one submission).

Conditions:
Joubert syndrome. Also called: CEREBELLOPARENCHYMAL DISORDER IV; JOUBERT-BOLTSHAUSER SYNDROME; Familial aplasia of the vermis. Identifiers: Orphanet 475, MedGen C5979921, MONDO:0018772.
Nephronophthisis. Also called: Juvenile Nephronophthisis. Identifiers: Orphanet 655, MedGen C0687120, MONDO:0019005, HP:0000090.
Meckel-Gruber syndrome. Also called: DYSENCEPHALIA SPLANCHNOCYSTICA; GRUBER SYNDROME; Dysencephalia splachnocystica. Identifiers: Orphanet 564, MedGen C0265215, MONDO:0018921.

Submission:

Labcorp Genetics (formerly Invitae), Labcorp
Classification: Uncertain significance for Joubert syndrome; Meckel-Gruber syndrome; Nephronophthisis. Last evaluated: 2024-08-05. Review status: criteria provided, single submitter. Criteria: Invitae Variant Classification Sherloc (09022015). Collection method: clinical testing. Allele origin: germline.
Comment: This sequence change replaces aspartic acid, which is acidic and polar, with asparagine, which is neutral and polar, at codon 1041 of the CEP290 protein (p.Asp1041Asn). This variant is not present in population databases (gnomAD no frequency). This variant has not been reported in the literature in individuals affected with CEP290-related conditions. ClinVar contains an entry for this variant (Variation ID: 2077092). Advanced modeling of protein sequence and biophysical properties (such as structural, functional, and spatial information, amino acid conservation, physicochemical variation, residue mobility, and thermodynamic stability) performed at Invitae indicates that this missense variant is not expected to disrupt CEP290 protein function with a negative predictive value of 80%. In summary, the available evidence is currently insufficient to determine the role of this variant in disease. Therefore, it has been classified as a Variant of Uncertain Significance.